The following is an entry in ClinVar:

ClinVar aggregate classification (germline): Likely pathogenic (1 of 4 stars; one submission).

Conditions:
ALG9 congenital disorder of glycosylation (CDG1L). Also called: ALG9-CDG; CDG Il; CONGENITAL DISORDER OF GLYCOSYLATION, TYPE Il. Identifiers: Orphanet 79328, MedGen C2931006, MONDO:0012117, OMIM 608776.
Gillessen-Kaesbach-Nishimura syndrome (GIKANIS). Identifiers: MedGen C1849762, MONDO:0009890, OMIM 263210.

Submission:

First Genomix Gene Laboratory, Genetic Diagnostics Department
Classification: Likely pathogenic for ALG9 congenital disorder of glycosylation; Gillessen-Kaesbach-Nishimura syndrome. Last evaluated: 2025-01-08. Review status: criteria provided, single submitter. Criteria: ACMG Guidelines, 2015. Collection method: clinical testing. Allele origin: germline. Inheritance: Autosomal recessive inheritance. Affected: no. Observed: 1 variant allele.

NM_024740.2(ALG9):c.230_236delinsGT (p.Asn77fs)

Gene: ALG9 (ALG9 alpha-1,2-mannosyltransferase; minus strand). Cytogenetic location: 11q23.1.
Variant type: Indel.
Coding change: c.230_236delinsGT on transcript NM_024740.2 (MANE Select); coding-DNA positions 230 to 236, ACATCTC replaced by GT.
Protein change: p.Asn77fs; shifts the reading frame from asparagine 77.
Molecular consequence: frameshift variant. On other transcripts: 5 prime UTR variant (14), non-coding transcript variant (1), intron variant (1).
Genome position (GRCh38, 1-based): chr11:111,870,266-111,870,272, GAGATGT replaced by AC on the plus strand (ACATCTC replaced by GT on the coding strand, the reverse complement: ALG9 is on the minus strand). VCF-style: chr11-111870266-GAGATGT-AC. GRCh37 (hg19) VCF-style: chr11-111740989-GAGATGT-AC.
Other names: c.230_236delinsGT, p.Asn77fs (NM_001077690.1, NM_001352417.1, NM_001352418.1 and 4 more transcripts); c.-284_-278delinsGT (NM_001077691.2, NM_001077692.2, NM_001352412.2 and 5 more transcripts); c.-288_-282delinsGT (NM_001352410.1, NM_001352411.2, NM_001352413.1 and 2 more transcripts); c.-502_-496delinsGT (NM_001352422.2); c.-244+1080_-244+1086delinsGT (NM_001352409.1); short protein forms N77fs.
Identifiers: ClinVar variation 4845743 (VCV004845743.1).